The following is an entry in ClinVar:

NM_173628.4(DNAH17):c.2013C>T (p.His671=)

Gene: DNAH17 (dynein axonemal heavy chain 17; minus strand). Cytogenetic location: 17q25.3.
Variant type: single nucleotide variant.
Coding change: c.2013C>T on transcript NM_173628.4 (MANE Select); coding-DNA position 2013, C replaced by T.
Protein change: p.His671=; no amino-acid change (histidine 671 retained).
Molecular consequence: synonymous variant.
Genome position (GRCh38, 1-based): chr17:78,560,758, G>A on the plus strand (C>T on the coding strand, the complement: DNAH17 is on the minus strand). VCF-style: chr17-78560758-G-A. GRCh37 (hg19) VCF-style: chr17-76556840-G-A.
Identifiers: ClinVar variation 2648374 (VCV002648374.24), dbSNP rs79191062, ClinGen allele CA8804946.

ClinVar aggregate classification (germline): Likely benign (1 of 4 stars; one submission).

Allele frequency attached by ClinVar (database versions not stated): gnomAD exomes 0.00004; ExAC 0.00005; TOPMed 0.00005; gnomAD 0.00007; 1000 Genomes Project 30x 0.00062; 1000 Genomes Project 0.00080.
gnomAD v4.1: 64 of 1,551,450 alleles (0.0041%); highest among the groups gnomAD compares: Middle Eastern, 0.034%; no homozygotes.

Submission:

CeGaT Center for Human Genetics Tuebingen
Classification: Likely benign. Last evaluated: 2023-01-01. Review status: criteria provided, single submitter. Criteria: CeGaT Center For Human Genetics Tuebingen Variant Classification Criteria Version 2. Collection method: clinical testing. Allele origin: germline. Affected: yes. Observed: 1 variant allele.
Comment: DNAH17: BP4, BP7